The following is an entry in ClinVar:

ClinVar aggregate classification (germline): Uncertain significance (1 of 4 stars; one submission).

Conditions:
KBG syndrome (KBGS). Also called: ANKRD11-Related KBG Syndrome. Identifiers: Orphanet 2332, MedGen C0220687, MONDO:0007846, OMIM 148050.

gnomAD v4.1: 6 of 1,613,898 alleles (0.00037%); highest among the groups gnomAD compares: East Asian, 0.0022%; no homozygotes.

Submission:

Labcorp Genetics (formerly Invitae), Labcorp
Classification: Uncertain significance for KBG syndrome. Last evaluated: 2025-08-26. Review status: criteria provided, single submitter. Criteria: Invitae Variant Classification Sherloc (09022015). Collection method: clinical testing. Allele origin: germline.
Comment: This sequence change replaces arginine, which is basic and polar, with tryptophan, which is neutral and slightly polar, at codon 890 of the ANKRD11 protein (p.Arg890Trp). The frequency data for this variant in the population databases is considered unreliable, as metrics indicate poor data quality at this position in the gnomAD database. This variant has not been reported in the literature in individuals affected with ANKRD11-related conditions. Invitae Evidence Modeling of protein sequence and biophysical properties (such as structural, functional, and spatial information, amino acid conservation, physicochemical variation, residue mobility, and thermodynamic stability) has been performed for this missense variant. However, the output from this modeling did not meet the statistical confidence thresholds required to predict the impact of this variant on ANKRD11 protein function. In summary, the available evidence is currently insufficient to determine the role of this variant in disease. Therefore, it has been classified as a Variant of Uncertain Significance.

NM_013275.6(ANKRD11):c.2668C>T (p.Arg890Trp)

Gene: ANKRD11 (ankyrin repeat domain 11; minus strand). Cytogenetic location: 16q24.3.
Variant type: single nucleotide variant.
Coding change: c.2668C>T on transcript NM_013275.6 (MANE Select); coding-DNA position 2668, C replaced by T.
Protein change: p.Arg890Trp; replaces arginine 890 with tryptophan.
Molecular consequence: missense variant.
Genome position (GRCh38, 1-based): chr16:89,283,874, G>A on the plus strand (C>T on the coding strand, the complement: ANKRD11 is on the minus strand). VCF-style: chr16-89283874-G-A. GRCh37 (hg19) VCF-style: chr16-89350282-G-A.
Other names: c.2668C>T, p.Arg890Trp (NM_001256182.2, NM_001256183.2); short protein forms R890W.
Identifiers: ClinVar variation 4771958 (VCV004771958.1).
Genomic context (GRCh38, chr16:89,283,874, plus strand): 5'-TGTCCTTCTTTCGGAAGAAGGGCTCTCTGTAGTCTCGCTTCTCCCGGGCCCGGCTGTCCC[G>A]CCTCCTCTCCTTGCTGTCCTCCTTCACCGTCTCCAAGATGAGCTTGGCCACAGAGTCGCT-3'
Protein context (NP_037407.4, residues 880-900): TVKEDSKERR[Arg890Trp]DSRAREKRDY